The following is an entry in ClinVar:

ClinVar aggregate classification (germline): Uncertain significance. Review status: criteria provided, multiple submitters, no conflicts (2 of 4 stars). 4 submissions from 4 submitters: Uncertain significance (3). 1 of the submissions does not count toward it. Last evaluated 2025-06-13.

Conditions:
RPS6KA3-related disorder. Also called: RPS6KA3-related condition.
Intellectual developmental disorder, X-linked 19. Also called: Intellectual disability, X-linked 19. Identifiers: Orphanet 777, MedGen C0796225, MONDO:0010447, OMIM 300844.

Allele frequency attached by ClinVar (database versions not stated): TOPMed 0.00001.
gnomAD v4.1: 5 of 1,151,405 alleles (0.00043%); highest among the groups gnomAD compares: Non-Finnish European, 0.0006%; no homozygotes.

Submissions (4):

Human Genetics Bochum, Ruhr University Bochum
Classification: Uncertain significance for Intellectual developmental disorder, X-linked 19. Last evaluated: 2025-06-13. Review status: criteria provided, single submitter. Criteria: ACMG Guidelines, 2015. Collection method: clinical testing. Allele origin: germline. Affected: yes.
Comment: ACMG criteria used to clasify this variant: PM1_SUP, PM2_SUP, PP3

GeneDx
Classification: Uncertain significance. Last evaluated: 2024-05-15. Review status: criteria provided, single submitter. Criteria: GeneDx Variant Classification Process June 2021. Collection method: clinical testing. Allele origin: germline. Affected: yes.
Comment: De novo variant with confirmed parentage in a patient with autism in published literature; however, other de novo variants were also identified in this patient and the reported clinical features are only partially consistent with the features typically observed in individuals with pathogenic variants in this gene (PMID: 35982159); Not observed at significant frequency in large population cohorts (gnomAD); In silico analysis supports that this missense variant has a deleterious effect on protein structure/function; This variant is associated with the following publications: (PMID: 35982159)

CeGaT Center for Human Genetics Tuebingen
Classification: Uncertain significance. Last evaluated: 2024-01-01. Review status: criteria provided, single submitter. Criteria: CeGaT Center For Human Genetics Tuebingen Variant Classification Criteria Version 2. Collection method: clinical testing. Allele origin: germline. Affected: yes. Observed: 1 variant allele.
Comment: RPS6KA3: PM2, PP2, PS4:Supporting

PreventionGenetics, part of Exact Sciences
Classification: Uncertain significance for RPS6KA3-related condition. Last evaluated: 2024-03-11. Review status: no assertion criteria provided. Collection method: clinical testing. Allele origin: germline. Not counted in ClinVar's aggregate classification.
Comment: The RPS6KA3 c.1831A>G variant is predicted to result in the amino acid substitution p.Met611Val. This variant has not been reported in a large population database, indicating this variant is rare. At this time, the clinical significance of this variant is uncertain due to the absence of conclusive functional and genetic evidence.

NM_004586.3(RPS6KA3):c.1831A>G (p.Met611Val)

Gene: RPS6KA3 (ribosomal protein S6 kinase A3; minus strand). Cytogenetic location: Xp22.12.
Variant type: single nucleotide variant.
Coding change: c.1831A>G on transcript NM_004586.3 (MANE Select); coding-DNA position 1831, A replaced by G.
Protein change: p.Met611Val; replaces methionine 611 with valine.
Molecular consequence: missense variant.
Genome position (GRCh38, 1-based): chrX:20,162,974, T>C on the plus strand (A>G on the coding strand, the complement: RPS6KA3 is on the minus strand). VCF-style: chrX-20162974-T-C. GRCh37 (hg19) VCF-style: chrX-20181092-T-C.
Other names: short protein forms M611V.
Identifiers: ClinVar variation 1188338 (VCV001188338.27), dbSNP rs1413484122, ClinGen allele CA412513726.
Genomic context (GRCh38, chrX:20,162,974, plus strand): 5'-ACATTGATGAACAAATGCTTAGGTGCTTAGAACATATGGTATACACTCACCCGGTAAGCA[T>C]TGTATAGAGTAGGACACCAAGACTCCATATATCACAAGCAGCATCATAGCCTTGTCTTTT-3'
Protein context (NP_004577.1, residues 601-621): IWSLGVLLYT[Met611Val]LTGYTPFANG